The following is an entry in ClinVar:

ClinVar aggregate classification (germline): Uncertain significance (1 of 4 stars; one submission).

Conditions:
Cardiac anomalies - developmental delay - facial dysmorphism syndrome (MRFACD). Also called: Impaired intellectual development and distinctive facial features with or without cardiac defects; MED13L Syndrome. Identifiers: Orphanet 369891, MedGen C5192431, MONDO:0014773, OMIM 616789.

Submission:

Victorian Clinical Genetics Services, Murdoch Childrens Research Institute
Classification: Uncertain significance for Cardiac anomalies - developmental delay - facial dysmorphism syndrome. Last evaluated: 2022-06-24. Review status: criteria provided, single submitter. Criteria: ACMG Guidelines, 2015. Collection method: clinical testing. Allele origin: germline. Inheritance: Autosomal dominant inheritance. Affected: yes.
Comment: Based on the classification scheme VCGS_Germline_v1.3.4, this variant is classified as VUS-3A. Following criteria are met: 0102 - Loss of function is a known mechanism of disease in this gene and is associated with impaired intellectual development and distinctive facial features with or without cardiac defects (MIM#616789). (I) 0107 - This gene is associated with autosomal dominant disease. (I) 0115 - Variants in this gene are known to have variable expressivity (PMID: 29511999). (I) 0200 - Variant is predicted to result in a missense amino acid change from proline to alanine. (I) 0251 - This variant is heterozygous. (I) 0301 - Variant is absent from gnomAD (both v2 and v3). (SP) 0501 - Missense variant consistently predicted to be damaging by multiple in silico tools or highly conserved with a major amino acid change. (SP) 0603 - Missense variant in a region that is highly intolerant to missense variation (high constraint region in DECIPHER). (SP) 0704 - Another missense variant comparable to the one identified in this case has limited previous evidence for pathogenicity. p.(Pro879Leu) has been classified as likely pathogenic by a clinical laboratory in ClinVar. (SP) 0807 - This variant has no previous evidence of pathogenicity. (I) 0905 - No published segregation evidence has been identified for this variant. (I) 1007 - No published functional evidence has been identified for this variant. (I) 1208 - Inheritance information for this variant is not currently available in this individual. (I) Legend: (SP) - Supporting pathogenic, (I) - Information, (SB) - Supporting benign

Literature cited by the submitters: PubMed 29511999.

NM_015335.5(MED13L):c.2635C>G (p.Pro879Ala)

Gene: MED13L (mediator complex subunit 13L; minus strand). Cytogenetic location: 12q24.21.
Variant type: single nucleotide variant.
Coding change: c.2635C>G on transcript NM_015335.5 (MANE Select); coding-DNA position 2635, C replaced by G.
Protein change: p.Pro879Ala; replaces proline 879 with alanine.
Molecular consequence: missense variant.
Genome position (GRCh38, 1-based): chr12:115,997,165, G>C on the plus strand (C>G on the coding strand, the complement: MED13L is on the minus strand). VCF-style: chr12-115997165-G-C. GRCh37 (hg19) VCF-style: chr12-116434970-G-C.
Other names: short protein forms P879A.
Identifiers: ClinVar variation 1699227 (VCV001699227.3), dbSNP rs2137330781, ClinGen allele CA386890786.